The following is an entry in ClinVar:

ClinVar aggregate classification (germline): Uncertain significance (1 of 4 stars; one submission).

gnomAD v4.1: 1 of 1,614,154 alleles (0.000062%); highest among the groups gnomAD compares: South Asian, 0.0011%; no homozygotes.

Submission:

GeneDx
Classification: Uncertain significance. Last evaluated: 2025-06-10. Review status: criteria provided, single submitter. Criteria: GeneDx Variant Classification Process June 2021. Collection method: clinical testing. Allele origin: germline. Affected: yes.
Comment: Not observed at significant frequency in large population cohorts (gnomAD); In silico analysis supports that this missense variant has a deleterious effect on protein structure/function; Has not been previously published as pathogenic or benign to our knowledge

NM_003896.4(ST3GAL5):c.1118A>G (p.His373Arg)

Gene: ST3GAL5 (ST3 beta-galactoside alpha-2,3-sialyltransferase 5; minus strand). Cytogenetic location: 2p11.2.
Variant type: single nucleotide variant.
Coding change: c.1118A>G on transcript NM_003896.4 (MANE Select); coding-DNA position 1118, A replaced by G.
Protein change: p.His373Arg; replaces histidine 373 with arginine.
Molecular consequence: missense variant.
Genome position (GRCh38, 1-based): chr2:85,840,283, T>C on the plus strand (A>G on the coding strand, the complement: ST3GAL5 is on the minus strand). VCF-style: chr2-85840283-T-C. GRCh37 (hg19) VCF-style: chr2-86067406-T-C.
Other names: c.1049A>G, p.His350Arg (NM_001042437.2); c.734A>G, p.His245Arg (NM_001354223.2, NM_001354224.2, NM_001354226.2 and 3 more transcripts); c.1034A>G, p.His345Arg (NM_001354227.2, NM_001354229.2, NM_001354238.1); c.395A>G, p.His132Arg (NM_001354247.1); c.959A>G, p.His320Arg (NM_001363847.1); short protein forms H132R, H245R, H320R, H345R, H350R, H373R.
Identifiers: ClinVar variation 4538120 (VCV004538120.1).